The following is an entry in ClinVar:

NM_000051.4(ATM):c.1065+9A>G

Gene: ATM (ATM serine/threonine kinase; plus strand). Cytogenetic location: 11q22.3.
Variant type: single nucleotide variant.
Coding change: c.1065+9A>G on transcript NM_000051.4 (MANE Select); 9 bases into the intron after coding-DNA position 1065, A replaced by G.
Molecular consequence: intron variant.
Genome position (GRCh38, 1-based): chr11:108,247,136, A>G. VCF-style: chr11-108247136-A-G. GRCh37 (hg19) VCF-style: chr11-108117863-A-G.
Other names: c.1065+9A>G (NM_001351834.2).
Identifiers: ClinVar variation 2735372 (VCV002735372.3), dbSNP rs2497183925, ClinGen allele CA2697548978.

ClinVar aggregate classification (germline): Uncertain significance (1 of 4 stars; one submission).

Conditions:
Ataxia-telangiectasia syndrome (AT). Also called: Cerebello-oculocutaneous telangiectasia; Immunodeficiency with ataxia telangiectasia; Ataxia telangiectasia (A-T); Ataxia-telangiectasia, complementation group E; LOUIS-BAR SYNDROME; Ataxia-telangiectasia, complementation group D. Identifiers: Orphanet 100, MedGen C0004135, MONDO:0008840, OMIM 208900.

Submission:

Labcorp Genetics (formerly Invitae), Labcorp
Classification: Uncertain significance for Ataxia-telangiectasia syndrome. Last evaluated: 2023-07-03. Review status: criteria provided, single submitter. Criteria: Invitae Variant Classification Sherloc (09022015). Collection method: clinical testing. Allele origin: germline.
Comment: This variant has not been reported in the literature in individuals affected with ATM-related conditions. This variant is not present in population databases (gnomAD no frequency). This sequence change falls in intron 8 of the ATM gene. It does not directly change the encoded amino acid sequence of the ATM protein. Algorithms developed to predict the effect of sequence changes on RNA splicing suggest that this variant may disrupt the consensus splice site. In summary, the available evidence is currently insufficient to determine the role of this variant in disease. Therefore, it has been classified as a Variant of Uncertain Significance.